The following is an entry in ClinVar:

ClinVar aggregate classification (germline): Uncertain significance (1 of 4 stars; one submission).

Submission:

CeGaT Center for Human Genetics Tuebingen
Classification: Uncertain significance. Last evaluated: 2024-02-01. Review status: criteria provided, single submitter. Criteria: CeGaT Center For Human Genetics Tuebingen Variant Classification Criteria Version 2. Collection method: clinical testing. Allele origin: germline. Affected: yes. Observed: 1 variant allele.
Comment: TSR1: PM2

NM_018128.5(TSR1):c.1428dup (p.Gln477fs)

Gene: TSR1 (TSR1 ribosome maturation factor; minus strand). Cytogenetic location: 17p13.3.
Variant type: Duplication.
Coding change: c.1428dup on transcript NM_018128.5 (MANE Select); coding-DNA position 1428, one base duplicated (A; older notation c.1428dupA).
Protein change: p.Gln477fs; shifts the reading frame from glutamine 477.
Molecular consequence: frameshift variant.
Genome position (GRCh38, 1-based): chr17:2,332,237, T duplicated on the plus strand (A on the coding strand, the reverse complement: TSR1 is on the minus strand); the first of 3 consecutive T bases (chr17:2,332,237-2,332,239); duplicating any one gives the same sequence. VCF-style (leftmost placement, unchanged base first): chr17-2332236-G-GT. GRCh37 (hg19) VCF-style: chr17-2235530-G-GT.
Other names: short protein forms Q477fs.
Identifiers: ClinVar variation 3027345 (VCV003027345.22), dbSNP rs2544947806, ClinGen allele CA2740095199.
Genomic context (GRCh38, chr17:2,332,236, plus strand): 5'-GAGCAGCCACATCACGGGGCGTGTCCACTTCATCTGGAAACATCTCTTCCAGTCTTTCTT[G>GT]TTTATATTTCTCCAACATTTTTGCCTCAGCTTCTTCATCTACTTTCTTATCATACAGATC-3'